The following is an entry in ClinVar:

NM_000053.4(ATP7B):c.4120A>G (p.Lys1374Glu)

Gene: ATP7B (ATPase copper transporting beta; minus strand). Cytogenetic location: 13q14.3.
Variant type: single nucleotide variant.
Coding change: c.4120A>G on transcript NM_000053.4 (MANE Select); coding-DNA position 4120, A replaced by G.
Protein change: p.Lys1374Glu; replaces lysine 1374 with glutamic acid.
Molecular consequence: missense variant.
Genome position (GRCh38, 1-based): chr13:51,935,597, T>C on the plus strand (A>G on the coding strand, the complement: ATP7B is on the minus strand). VCF-style: chr13-51935597-T-C. GRCh37 (hg19) VCF-style: chr13-52509733-T-C.
Other names: c.3976A>G, p.Lys1326Glu (NM_001406520.1, NM_001406521.1, NM_001406522.1); c.3937A>G, p.Lys1313Glu (NM_001406523.1); c.3943A>G, p.Lys1315Glu (NM_001406524.1); c.3925A>G, p.Lys1309Glu (NM_001406525.1); c.3916A>G, p.Lys1306Glu (NM_001406526.1); c.3886A>G, p.Lys1296Glu (NM_001406527.1, NM_001406528.1, NM_001330578.2); c.3880A>G, p.Lys1294Glu (NM_001406530.1); c.3868A>G, p.Lys1290Glu (NM_001406531.1, NM_001406532.1, NM_001330579.2); and 21 more; short protein forms K1356E, K1363E, K1372E, K1374E, K944E, K1093E, K1147E, K1158E.
Identifiers: ClinVar variation 3075577 (VCV003075577.1), dbSNP rs2547550489, ClinGen allele CA388019957.

ClinVar aggregate classification (germline): Uncertain significance (1 of 4 stars; one submission).

Conditions:
Wilson disease (WND). Also called: Wilson's disease. Identifiers: Orphanet 905, MedGen C0019202, MONDO:0010200, OMIM 277900. Disease mechanism: loss of function.

Submission:

All of Us Research Program, National Institutes of Health
Classification: Uncertain significance for Wilson disease. Last evaluated: 2023-05-04. Review status: criteria provided, single submitter. Criteria: ACMG Guidelines, 2015. Collection method: clinical testing. Allele origin: germline. Inheritance: Autosomal recessive inheritance. Observed: 1 variant allele, 1 heterozygote.
Comment: This missense variant replaces lysine with glutamic acid at codon 1374 of the ATP7B protein. Computational prediction suggests that this variant may have deleterious impact on protein structure and function (internally defined REVEL score threshold >= 0.7, PMID: 27666373). To our knowledge, functional studies have not been reported for this variant. This variant has not been reported in individuals affected with Wilson disease in the literature. This variant has not been identified in the general population by the Genome Aggregation Database (gnomAD). The available evidence is insufficient to determine the role of this variant in disease conclusively. Therefore, this variant is classified as a Variant of Uncertain Significance.

This study involves interpretation of variants in research participants for the purpose of population health screening. Participant phenotype was not available at the time of variant classification. Additional details can be found in publication PMID: 35346344, PMCID: PMC8962531